The following is an entry in ClinVar:

ClinVar aggregate classification (germline): Uncertain significance. Review status: criteria provided, multiple submitters, no conflicts (2 of 4 stars). 2 submissions from 2 submitters: Uncertain significance (2). Last evaluated 2024-04-15.

Conditions:
Neurofibromatosis, type 2 (SWNV). Also called: BILATERAL ACOUSTIC NEUROFIBROMATOSIS; SCHWANNOMATOSIS, VESTIBULAR; NF2-Related Schwannomatosis. Identifiers: Orphanet 637, MedGen C0027832, MONDO:0007039, OMIM 101000. Disease mechanism: loss of function.
Hereditary cancer-predisposing syndrome. Also called: Tumor predisposition; Neoplastic Syndromes, Hereditary; Hereditary Cancer Syndrome; Hereditary neoplastic syndrome. Identifiers: Orphanet 140162, MedGen C0027672, MeSH D009386, MONDO:0015356.

Submissions (2):

Labcorp Genetics (formerly Invitae), Labcorp
Classification: Uncertain significance for Neurofibromatosis, type 2. Last evaluated: 2024-04-15. Review status: criteria provided, single submitter. Criteria: Invitae Variant Classification Sherloc (09022015). Collection method: clinical testing. Allele origin: germline.
Comment: This sequence change replaces asparagine, which is neutral and polar, with tyrosine, which is neutral and polar, at codon 565 of the NF2 protein (p.Asn565Tyr). This variant is not present in population databases (gnomAD no frequency). This variant has not been reported in the literature in individuals affected with NF2-related conditions. ClinVar contains an entry for this variant (Variation ID: 664660). Advanced modeling of protein sequence and biophysical properties (such as structural, functional, and spatial information, amino acid conservation, physicochemical variation, residue mobility, and thermodynamic stability) performed at Invitae indicates that this missense variant is not expected to disrupt NF2 protein function with a negative predictive value of 80%. In summary, the available evidence is currently insufficient to determine the role of this variant in disease. Therefore, it has been classified as a Variant of Uncertain Significance.

Ambry Genetics
Classification: Uncertain significance for Hereditary cancer-predisposing syndrome. Last evaluated: 2022-02-13. Review status: criteria provided, single submitter. Criteria: Ambry Variant Classification Scheme 2023. Collection method: clinical testing. Allele origin: germline.
Comment: The p.N565Y variant (also known as c.1693A>T), located in coding exon 15 of the NF2 gene, results from an A to T substitution at nucleotide position 1693. The asparagine at codon 565 is replaced by tyrosine, an amino acid with dissimilar properties. This amino acid position is conserved. In addition, the in silico prediction for this alteration is inconclusive. Since supporting evidence is limited at this time, the clinical significance of this alteration remains unclear.

NM_000268.4(NF2):c.1693A>T (p.Asn565Tyr)

Gene: NF2 (NF2, moesin-ezrin-radixin like (MERLIN) tumor suppressor; plus strand). Cytogenetic location: 22q12.2.
Variant type: single nucleotide variant.
Coding change: c.1693A>T on transcript NM_000268.4 (MANE Select); coding-DNA position 1693, A replaced by T.
Protein change: p.Asn565Tyr; replaces asparagine 565 with tyrosine.
Molecular consequence: missense variant. On other transcripts: non-coding transcript variant (1), intron variant (1).
Genome position (GRCh38, 1-based): chr22:29,681,557, A>T. VCF-style: chr22-29681557-A-T. GRCh37 (hg19) VCF-style: chr22-30077546-A-T.
Other names: c.1693A>T, p.Asn565Tyr (NM_016418.5, NM_181825.3, NM_181832.3); c.1567A>T, p.Asn523Tyr (NM_181828.3); c.1570A>T, p.Asn524Tyr (NM_181829.3); c.1444A>T, p.Asn482Tyr (NM_181830.3, NM_181831.3); c.448-13195A>T (NM_181833.3); short protein forms N523Y, N565Y, N482Y, N524Y.
Identifiers: ClinVar variation 664660 (VCV000664660.13), dbSNP rs1601666359, ClinGen allele CA411150374.